The following is an entry in ClinVar:

NM_001378743.1(CYLD):c.1537dup (p.Cys513fs)

Gene: CYLD (CYLD lysine 63 deubiquitinase; plus strand). Cytogenetic location: 16q12.1.
Variant type: Duplication.
Coding change: c.1537dup on transcript NM_001378743.1 (MANE Select); coding-DNA position 1537, one base duplicated (T; older notation c.1537dupT).
Protein change: p.Cys513fs; shifts the reading frame from cysteine 513.
Molecular consequence: frameshift variant.
Genome position (GRCh38, 1-based): chr16:50,781,264, T duplicated. VCF-style (leftmost placement, unchanged base first): chr16-50781263-C-CT. GRCh37 (hg19) VCF-style: chr16-50815174-C-CT.
Other names: c.1528dup, p.Cys510fs (NM_001378744.1, NM_001378745.1, NM_001378746.1 and 6 more transcripts); c.1498dup, p.Cys500fs (NM_001378751.1, NM_001378752.1, NM_001378753.1); c.862dup, p.Cys288fs (NM_001378754.1, NM_001378755.1); c.1537dup, p.Cys513fs (NM_015247.3); c.1537dupT (NM_015247.2); short protein forms C513fs, C510fs, C288fs, C500fs.
Identifiers: ClinVar variation 267235 (VCV000267235.4), dbSNP rs886040874, ClinGen allele CA10590072.

ClinVar aggregate classification (germline): Pathogenic. Review status: criteria provided, multiple submitters, no conflicts (2 of 4 stars). 2 submissions from 2 submitters: Pathogenic (2). Last evaluated 2023-12-12.

Conditions:
Brooke-Spiegler syndrome. Also called: CYLD Cutaneous Syndrome. Identifiers: Orphanet 79493, MedGen C1857941, MONDO:0011512, OMIM 605041.

Submissions (2):

Labcorp Genetics (formerly Invitae), Labcorp
Classification: Pathogenic. Last evaluated: 2023-12-12. Review status: criteria provided, single submitter. Criteria: Invitae Variant Classification Sherloc (09022015). Collection method: clinical testing. Allele origin: germline.
Comment: This sequence change creates a premature translational stop signal (p.Cys513Leufs*30) in the CYLD gene. It is expected to result in an absent or disrupted protein product. Loss-of-function variants in CYLD are known to be pathogenic (PMID: 19462465). This variant is not present in population databases (gnomAD no frequency). This variant has not been reported in the literature in individuals affected with CYLD-related conditions. ClinVar contains an entry for this variant (Variation ID: 267235). For these reasons, this variant has been classified as Pathogenic.

Genomic Diagnostic Laboratory, Division of Genomic Diagnostics, Children's Hospital of Philadelphia
Classification: Pathogenic for Brooke-Spiegler syndrome. Last evaluated: 2016-09-23. Review status: criteria provided, single submitter. Criteria: DGD Variant Analysis Guidelines. Collection method: clinical testing. Allele origin: germline. Affected: yes. Observed: 1 variant allele.
Comment: Clinical Testing

Literature cited by the submitters: PubMed 19462465 (cited by Labcorp Genetics (formerly Invitae), Labcorp).